The following is an entry in ClinVar:

NM_001008537.3(NEXMIF):c.1300G>T (p.Glu434Ter)

Gene: NEXMIF (neurite extension and migration factor; minus strand). Cytogenetic location: Xq13.3.
Variant type: single nucleotide variant.
Coding change: c.1300G>T on transcript NM_001008537.3 (MANE Select); coding-DNA position 1300, G replaced by T.
Protein change: p.Glu434Ter; replaces glutamic acid 434 with a stop codon.
Molecular consequence: nonsense.
Genome position (GRCh38, 1-based): chrX:74,743,257, C>A on the plus strand (G>T on the coding strand, the complement: NEXMIF is on the minus strand). VCF-style: chrX-74743257-C-A. GRCh37 (hg19) VCF-style: chrX-73963092-C-A.
Other names: NC_000023.10:g.73963092C>A; short protein forms E434*.
Identifiers: ClinVar variation 620527 (VCV000620527.4), dbSNP rs1569335738, ClinGen allele CA413670826.
Genomic context (GRCh38, chrX:74,743,257, plus strand): 5'-CCATAGCATCATATGAGATCTCAATGAAGGAACTATCATCACTGAAACTCCCTGATGTCT[C>A]CAGGGAATTAGCAAGATGGCCCTGCTTTGGATTCTTAAGTTGCTCTACTTCAGTCCCACT-3'

ClinVar aggregate classification (germline): Pathogenic (1 of 4 stars; one submission).

Submissions (2):

GeneDx
Classification: Pathogenic. Last evaluated: 2023-08-18. Review status: criteria provided, single submitter. Criteria: GeneDx Variant Classification Process June 2021. Collection method: clinical testing. Allele origin: germline. Affected: yes.
Comment: Nonsense variant predicted to result in protein truncation or nonsense mediated decay in a gene for which loss of function is a known mechanism of disease; Not observed at significant frequency in large population cohorts (gnomAD); Has not been previously published as pathogenic or benign to our knowledge

Dr. Peter K. Rogan Lab, Western University
No classification provided (evidence only). Condition: Thyroid cancer, nonmedullary, 1. Review status: no classification provided. Collection method: in vitro. Allele origin: not applicable. Functional consequence: retained intron. Not counted in ClinVar's aggregate classification.